The following is an entry in ClinVar:

ClinVar aggregate classification (germline): Likely benign. Review status: criteria provided, multiple submitters, no conflicts (2 of 4 stars). 3 submissions from 3 submitters: Likely benign (3). Last evaluated 2025-10-03.

Conditions:
COG8-congenital disorder of glycosylation. Also called: CDG IIh; COG8-CDG. Identifiers: Orphanet 95428, MedGen C1970021, MONDO:0012635, OMIM 611182.

Allele frequency attached by ClinVar (database versions not stated): gnomAD 0.00011; TOPMed 0.00012; ESP Exome Variant Server 0.00015; gnomAD exomes 0.00022.
gnomAD v4.1: 339 of 1,613,980 alleles (0.021%); highest among the groups gnomAD compares: Non-Finnish European, 0.027%; no homozygotes.

Submissions (3):

Labcorp Genetics (formerly Invitae), Labcorp
Classification: Likely benign for COG8-congenital disorder of glycosylation. Last evaluated: 2025-10-03. Review status: criteria provided, single submitter. Criteria: Invitae Variant Classification Sherloc (09022015). Collection method: clinical testing. Allele origin: germline.

Mayo Clinic Laboratories, Mayo Clinic
Classification: Likely benign. Last evaluated: 2025-03-18. Review status: criteria provided, single submitter. Criteria: ACMG Guidelines, 2015. Collection method: clinical testing. Allele origin: germline. Observed: 1 variant allele.
Comment: BP4, BP7

GeneDx
Classification: Likely benign. Last evaluated: 2017-08-23. Review status: criteria provided, single submitter. Criteria: GeneDx Variant Classification (06012015). Collection method: clinical testing. Allele origin: germline. Affected: yes.
Comment: This variant is considered likely benign or benign based on one or more of the following criteria: it is a conservative change, it occurs at a poorly conserved position in the protein, it is predicted to be benign by multiple in silico algorithms, and/or has population frequency not consistent with disease.

NM_032382.5(COG8):c.522C>T (p.Ala174=)

Gene: COG8 (component of oligomeric golgi complex 8; minus strand). Cytogenetic location: 16q22.1.
Variant type: single nucleotide variant.
Coding change: c.522C>T on transcript NM_032382.5 (MANE Select); coding-DNA position 522, C replaced by T.
Protein change: p.Ala174=; no amino-acid change (alanine 174 retained).
Molecular consequence: synonymous variant.
Genome position (GRCh38, 1-based): chr16:69,336,568, G>A on the plus strand (C>T on the coding strand, the complement: COG8 is on the minus strand). VCF-style: chr16-69336568-G-A. GRCh37 (hg19) VCF-style: chr16-69370471-G-A.
Other names: p.Ala174=; c.522C>T, p.Ala174= (NM_001374871.1, NM_001379261.1, NM_001379262.1 and 4 more transcripts).
Identifiers: ClinVar variation 389403 (VCV000389403.11), dbSNP rs375227294, ClinGen allele CA8133940.
Genomic context (GRCh38, chr16:69,336,568, plus strand): 5'-GATGACAGGGATGGAAGAGTATTTCCTCTCCAGTCGGCGTACGTAGGCTGCAAGCTCCAG[G>A]GCCTCTTCATAATAACTGTTCCGGACACAGGTGTCCATGAGCTGAGGAATCTCCAGTATT-3'
Protein context (NP_115758.3, residues 164-184): TCVRNSYYEE[Ala174=]LELAAYVRRL